The following is an entry in ClinVar:

ClinVar aggregate classification (germline): Uncertain significance (1 of 4 stars; one submission).

Submission:

Ambry Genetics
Classification: Uncertain significance. Last evaluated: 2024-10-11. Review status: criteria provided, single submitter. Criteria: Ambry Variant Classification Scheme 2023. Collection method: clinical testing. Allele origin: germline.
Comment: The p.A1417S variant (also known as c.4249G>T), located in coding exon 4 of the ALPK2 gene, results from a G to T substitution at nucleotide position 4249. The alanine at codon 1417 is replaced by serine, an amino acid with similar properties. This amino acid position is conserved. In addition, this alteration is predicted to be tolerated by in silico analysis. Based on the available evidence, the clinical significance of this variant remains unclear.

NM_052947.4(ALPK2):c.4249G>T (p.Ala1417Ser)

Genes: ALPK2 (alpha kinase 2; minus strand), LOC126862764 (BRD4-independent group 4 enhancer GRCh37_chr18:56202574-56203773; plus strand). Cytogenetic location: 18q21.31.
Variant type: single nucleotide variant.
Coding change: c.4249G>T on transcript NM_052947.4 (MANE Select); coding-DNA position 4249, G replaced by T.
Protein change: p.Ala1417Ser; replaces alanine 1417 with serine.
Molecular consequence: missense variant.
Genome position (GRCh38, 1-based): chr18:58,535,938, C>A on the plus strand (G>T on the coding strand, the complement: ALPK2 is on the minus strand). VCF-style: chr18-58535938-C-A. GRCh37 (hg19) VCF-style: chr18-56203170-C-A.
Other names: short protein forms A1417S.
Identifiers: ClinVar variation 3530038 (VCV003530038.1).